The following is an entry in ClinVar:

ClinVar aggregate classification (germline): Uncertain significance. Review status: criteria provided, multiple submitters, no conflicts (2 of 4 stars). 3 submissions from 3 submitters: Uncertain significance (3). Last evaluated 2025-08-20.

Conditions:
Inborn genetic diseases. Identifiers: MedGen C0950123, MeSH D030342.

Allele frequency attached by ClinVar (database versions not stated): gnomAD exomes 0.00001; TOPMed 0.00002; gnomAD 0.00001.
gnomAD v4.1: 17 of 1,609,290 alleles (0.0011%); highest among the groups gnomAD compares: Admixed American, 0.0017%; no homozygotes.

Submissions (3):

Ambry Genetics
Classification: Uncertain significance for Inborn genetic diseases. Last evaluated: 2025-08-20. Review status: criteria provided, single submitter. Criteria: Ambry Variant Classification Scheme 2023. Collection method: clinical testing. Allele origin: germline.

GeneDx
Classification: Uncertain significance. Last evaluated: 2022-05-16. Review status: criteria provided, single submitter. Criteria: GeneDx Variant Classification Process June 2021. Collection method: clinical testing. Allele origin: germline. Affected: yes.
Comment: Not observed at significant frequency in large population cohorts (gnomAD); In silico analysis supports that this missense variant does not alter protein structure/function; Has not been previously published as pathogenic or benign to our knowledge

Labcorp Genetics (formerly Invitae), Labcorp
Classification: Uncertain significance. Last evaluated: 2022-05-11. Review status: criteria provided, single submitter. Criteria: Invitae Variant Classification Sherloc (09022015). Collection method: clinical testing. Allele origin: germline.
Comment: This sequence change replaces glycine, which is neutral and non-polar, with serine, which is neutral and polar, at codon 2552 of the CDH23 protein (p.Gly2552Ser). This variant is present in population databases (no rsID available, gnomAD 0.006%). This variant has not been reported in the literature in individuals affected with CDH23-related conditions. Algorithms developed to predict the effect of missense changes on protein structure and function are either unavailable or do not agree on the potential impact of this missense change (SIFT: "Deleterious"; PolyPhen-2: "Not Available"; Align-GVGD: "Class C0"). In summary, the available evidence is currently insufficient to determine the role of this variant in disease. Therefore, it has been classified as a Variant of Uncertain Significance.

NM_022124.6(CDH23):c.7654G>A (p.Gly2552Ser)

Gene: CDH23 (cadherin related 23; plus strand). Cytogenetic location: 10q22.1.
Variant type: single nucleotide variant.
Coding change: c.7654G>A on transcript NM_022124.6 (MANE Select); coding-DNA position 7654, G replaced by A.
Protein change: p.Gly2552Ser; replaces glycine 2552 with serine.
Molecular consequence: missense variant.
Genome position (GRCh38, 1-based): chr10:71,803,069, G>A. VCF-style: chr10-71803069-G-A. GRCh37 (hg19) VCF-style: chr10-73562826-G-A.
Other names: c.934G>A, p.Gly312Ser (NM_001171933.1, NM_001171934.1); short protein forms G2552S, G312S.
Identifiers: ClinVar variation 1800594 (VCV001800594.4), dbSNP rs1323258808, ClinGen allele CA377160992.